The following is an entry in ClinVar:

NM_000275.3(OCA2):c.2208G>A (p.Ser736=)

Gene: OCA2 (OCA2 melanosomal transmembrane protein; minus strand). Cytogenetic location: 15q13.1.
Variant type: single nucleotide variant.
Coding change: c.2208G>A on transcript NM_000275.3 (MANE Select); coding-DNA position 2208, G replaced by A.
Protein change: p.Ser736=; no amino-acid change (serine 736 retained).
Molecular consequence: synonymous variant.
Genome position (GRCh38, 1-based): chr15:27,871,190, C>T on the plus strand (G>A on the coding strand, the complement: OCA2 is on the minus strand). VCF-style: chr15-27871190-C-T. GRCh37 (hg19) VCF-style: chr15-28116336-C-T.
Other names: c.2136G>A, p.Ser712= (NM_001300984.2).
Identifiers: ClinVar variation 255729 (VCV000255729.19), dbSNP rs1800418, ClinGen allele CA7438709.
Genomic context (GRCh38, chr15:27,871,190, plus strand): 5'-TCGACATGGACATGTGCAACTCACCATGGTAGCAGTGAACGGGATGTTGTCAATCAGGGA[C>T]GACGCCAGGGCTGAGACCCACACCACCAGGACAATGGCGGCTATGAGGCGCTGCTCCTCT-3'
Protein context (NP_000266.2, residues 726-746): VLVVWVSALA[Ser736=]SLIDNIPFTA

ClinVar aggregate classification (germline): Benign. Review status: criteria provided, multiple submitters, no conflicts (2 of 4 stars). 5 submissions from 5 submitters: Benign (5). Last evaluated 2026-02-04.

Conditions:
Tyrosinase-positive oculocutaneous albinism (OCA2). Also called: ALBINISM II; Oculocutaneous albinism type 2; Albinism, oculocutaneous, type II. Identifiers: Orphanet 79432, MedGen C0268495, MONDO:0008746, OMIM 203200.

Allele frequency attached by ClinVar (database versions not stated): 1000 Genomes Project 0.01617; 1000 Genomes Project 30x 0.01671; TOPMed 0.01831; ESP Exome Variant Server 0.01999.
gnomAD v4.1: 6,265 of 1,613,988 alleles (0.39%); highest among the groups gnomAD compares: African/African-American, 5.3%; 123 homozygotes.

Submissions (5):

Labcorp Genetics (formerly Invitae), Labcorp
Classification: Benign. Last evaluated: 2026-02-04. Review status: criteria provided, single submitter. Criteria: Invitae Variant Classification Sherloc (09022015). Collection method: clinical testing. Allele origin: germline.

GeneDx
Classification: Benign. Last evaluated: 2021-06-10. Review status: criteria provided, single submitter. Criteria: GeneDx Variant Classification Process June 2021. Collection method: clinical testing. Allele origin: germline. Affected: yes.

Illumina Laboratory Services, Illumina
Classification: Benign for Tyrosinase-positive oculocutaneous albinism. Last evaluated: 2018-01-13. Review status: criteria provided, single submitter. Criteria: ICSL Variant Classification Criteria 13 December 2019. Collection method: clinical testing. Allele origin: germline.
Comment: This variant was observed in the ICSL laboratory as part of a predisposition screen in an ostensibly healthy population. It had not been previously curated by ICSL or reported in the Human Gene Mutation Database (HGMD: prior to June 1st, 2018), and was therefore a candidate for classification through an automated scoring system. Utilizing variant allele frequency, disease prevalence and penetrance estimates, and inheritance mode, an automated score was calculated to assess if this variant is too frequent to cause the disease. Based on the score and internal cut-off values, a variant classified as benign is not then subjected to further curation. The score for this variant resulted in a classification of benign for this disease.

Breakthrough Genomics
Classification: Benign. Review status: criteria provided, single submitter. Criteria: ACMG Guidelines, 2015. Collection method: not provided. Allele origin: germline. Inheritance: Autosomal recessive inheritance. Affected: yes.

PreventionGenetics, part of Exact Sciences
Classification: Benign. Review status: criteria provided, single submitter. Criteria: ACMG Guidelines, 2015. Collection method: clinical testing. Allele origin: germline.